The following is an entry in ClinVar:

NM_000458.4(HNF1B):c.828dup (p.Gly277fs)

Gene: HNF1B (HNF1 homeobox B; minus strand). Cytogenetic location: 17q12.
Variant type: Duplication.
Coding change: c.828dup on transcript NM_000458.4 (MANE Select); coding-DNA position 828, one base duplicated (A; older notation c.828dupA).
Protein change: p.Gly277fs; shifts the reading frame from glycine 277.
Molecular consequence: frameshift variant.
Genome position (GRCh38, 1-based): chr17:37,731,812, T duplicated on the plus strand (A on the coding strand, the reverse complement: HNF1B is on the minus strand). VCF-style (leftmost placement, unchanged base first): chr17-37731811-C-CT. GRCh37 (hg19) VCF-style: chr17-36091802-C-CT.
Other names: c.750dup, p.Gly251fs (NM_001165923.4, NM_001304286.2); c.828dup, p.Gly277fs (NM_001411100.1); short protein forms G251fs, G277fs.
Identifiers: ClinVar variation 3344406 (VCV003344406.1).

ClinVar aggregate classification (germline): Pathogenic (0 of 4 stars; one submission).

Conditions:
HNF1B-related disorder. Also called: HNF1B-related condition; HNF1B-related disorders.

Submission:

PreventionGenetics, part of Exact Sciences
Classification: Pathogenic for HNF1B-related condition. Last evaluated: 2024-09-17. Review status: no assertion criteria provided. Collection method: clinical testing. Allele origin: germline.
Comment: The HNF1B c.828dupA variant is predicted to result in a frameshift and premature protein termination (p.Gly277Argfs*17). To our knowledge, this variant has not been reported in the literature or in a large population database, indicating this variant is rare. Frameshift variants in HNF1B are expected to be pathogenic. This variant is interpreted as pathogenic.